The following is an entry in ClinVar:

NM_153006.3(NAGS):c.1511G>C (p.Gly504Ala)

Gene: NAGS (N-acetylglutamate synthase; plus strand). Cytogenetic location: 17q21.31.
Variant type: single nucleotide variant.
Coding change: c.1511G>C on transcript NM_153006.3 (MANE Select); coding-DNA position 1511, G replaced by C.
Protein change: p.Gly504Ala; replaces glycine 504 with alanine.
Molecular consequence: missense variant.
Genome position (GRCh38, 1-based): chr17:44,008,507, G>C. VCF-style: chr17-44008507-G-C. GRCh37 (hg19) VCF-style: chr17-42085875-G-C.
Other names: short protein forms G504A.
Identifiers: ClinVar variation 2632550 (VCV002632550.2), dbSNP rs2049122937, ClinGen allele CA399728848.

ClinVar aggregate classification (germline): Uncertain significance (0 of 4 stars; one submission).

Conditions:
NAGS-related disorder. Also called: NAGS-related condition.

Allele frequency attached by ClinVar (database versions not stated): TOPMed below 0.00001; gnomAD exomes 0.00001.
gnomAD v4.1: 12 of 1,614,250 alleles (0.00074%); highest among the groups gnomAD compares: Non-Finnish European, 0.00085%; no homozygotes.

Submission:

PreventionGenetics, part of Exact Sciences
Classification: Uncertain significance for NAGS-related condition. Last evaluated: 2024-06-14. Review status: no assertion criteria provided. Collection method: clinical testing. Allele origin: germline.
Comment: The NAGS c.1511G>C variant is predicted to result in the amino acid substitution p.Gly504Ala. To our knowledge, this variant has not been reported in the literature or in a large population database, indicating this variant is rare. At this time, the clinical significance of this variant is uncertain due to the absence of conclusive functional and genetic evidence.